The following is an entry in ClinVar:

NM_000969.5(RPL5):c.891C>A (p.Ser297Arg)

Genes: DIPK1A (divergent protein kinase domain 1A; minus strand), RPL5 (ribosomal protein L5; plus strand). Cytogenetic location: 1p22.1.
Variant type: single nucleotide variant.
Coding change: c.891C>A on transcript NM_000969.5 (MANE Select); coding-DNA position 891, C replaced by A.
Protein change: p.Ser297Arg; replaces serine 297 with arginine.
Molecular consequence: missense variant. On other transcripts: non-coding transcript variant (1), intron variant (1).
Genome position (GRCh38, 1-based): chr1:92,841,862, C>A. VCF-style: chr1-92841862-C-A. GRCh37 (hg19) VCF-style: chr1-93307419-C-A.
Other names: c.474+5321G>T (NM_001252273.2); short protein forms S297R.
Identifiers: ClinVar variation 2166527 (VCV002166527.3), dbSNP rs1687379670, ClinGen allele CA341244231.

ClinVar aggregate classification (germline): Uncertain significance (1 of 4 stars; one submission).

Conditions:
Diamond-Blackfan anemia. Also called: Blackfan Diamond syndrome; Aregenerative anemia chronic congenital; Red cell aplasia, pure hereditary; Congenital hypoplastic anemia; Aase syndrome. Identifiers: Orphanet 124, MedGen C1260899, MeSH D029503, MONDO:0015253, HP:0004810.

gnomAD v4.1: 1 of 1,609,990 alleles (0.000062%); no homozygotes.

Submission:

Labcorp Genetics (formerly Invitae), Labcorp
Classification: Uncertain significance for Diamond-Blackfan anemia. Last evaluated: 2023-05-19. Review status: criteria provided, single submitter. Criteria: Invitae Variant Classification Sherloc (09022015). Collection method: clinical testing. Allele origin: germline.
Comment: This sequence change replaces serine, which is neutral and polar, with arginine, which is basic and polar, at codon 297 of the RPL5 protein (p.Ser297Arg). In summary, the available evidence is currently insufficient to determine the role of this variant in disease. Therefore, it has been classified as a Variant of Uncertain Significance. An algorithm developed to predict the effect of missense changes on protein structure and function (PolyPhen-2) suggests that this variant is likely to be disruptive. ClinVar contains an entry for this variant (Variation ID: 2166527). This variant has not been reported in the literature in individuals affected with RPL5-related conditions. This variant is not present in population databases (gnomAD no frequency).